The following is an entry in ClinVar:

NM_003742.4(ABCB11):c.-28+2T>C

Gene: ABCB11 (ATP binding cassette subfamily B member 11; minus strand). Cytogenetic location: 2q31.1.
Variant type: single nucleotide variant.
Coding change: c.-28+2T>C on transcript NM_003742.4 (MANE Select); the canonical splice donor site of the intron after 28 bases upstream of the start codon, T replaced by C.
Molecular consequence: splice donor variant.
Genome position (GRCh38, 1-based): chr2:169,031,223, A>G on the plus strand (T>C on the coding strand, the complement: ABCB11 is on the minus strand). VCF-style: chr2-169031223-A-G. GRCh37 (hg19) VCF-style: chr2-169887733-A-G.
Identifiers: ClinVar variation 4056949 (VCV004056949.2).

ClinVar aggregate classification (germline): Uncertain significance/VUS-mid. Review status: criteria provided, multiple submitters, no conflicts (2 of 4 stars). 2 submissions from 2 submitters: Uncertain significance (1); VUS-mid (1). Last evaluated 2026-04-06.

Conditions:
Progressive familial intrahepatic cholestasis type 2. Identifiers: Orphanet 79304, MedGen C3489789, MONDO:0011156, OMIM 601847.

Submissions (2):

Department of Genetics, Inova Health System
Classification: VUS-mid for Progressive familial intrahepatic cholestasis type 2. Last evaluated: 2026-04-06. Review status: criteria provided, single submitter. Criteria: ACMG Guidelines, 2015. Collection method: clinical testing. Allele origin: biparental. Inheritance: Autosomal recessive inheritance. Affected: yes. Observed: 2 variant alleles, 2 homozygotes. Clinical features observed: Elevated liver transaminases, chronic liver disease, pruritis, hepatomegaly.
Comment: Variant found in the homozygous state in two siblings with progressive familial intrahepatic cholestasis on whole genome sequencing. Both siblings were diagnosed in the neonatal/early childhood period. No other variants were identified.

GeneDx
Classification: Uncertain significance. Last evaluated: 2025-01-09. Review status: criteria provided, single submitter. Criteria: GeneDx Variant Classification Process June 2021. Collection method: clinical testing. Allele origin: germline. Affected: yes.
Comment: In silico analysis indicates that this variant does not alter splicing; Has not been previously published as pathogenic or benign to our knowledge; No data available from control populations to assess the frequency of this variant